The following is an entry in ClinVar:

NM_003922.4(HERC1):c.13079C>G (p.Ala4360Gly)

Gene: HERC1 (HECT and RLD domain containing E3 ubiquitin protein ligase family member 1; minus strand). Cytogenetic location: 15q22.31.
Variant type: single nucleotide variant.
Coding change: c.13079C>G on transcript NM_003922.4 (MANE Select); coding-DNA position 13079, C replaced by G.
Protein change: p.Ala4360Gly; replaces alanine 4360 with glycine.
Molecular consequence: missense variant.
Genome position (GRCh38, 1-based): chr15:63,628,703, G>C on the plus strand (C>G on the coding strand, the complement: HERC1 is on the minus strand). VCF-style: chr15-63628703-G-C. GRCh37 (hg19) VCF-style: chr15-63920902-G-C.
Other names: short protein forms A4360G.
Identifiers: ClinVar variation 3360103 (VCV003360103.1).
Genomic context (GRCh38, chr15:63,628,703, plus strand): 5'-AACGCTGCAGGAGCATGAATATTTCATTCCTCACCTGGTGCTCTTGGTGGGACAGGTGGT[G>C]CTGTCCATGCAGCACTGTGGCAGCGGCCAGCCGAGATCTGCCGAACATTTTTCCCTTGCA-3'
Protein context (NP_003913.3, residues 4350-4370): AGRCHSAAWT[Ala4360Gly]PPVPPRAPGV

ClinVar aggregate classification (germline): Uncertain significance (1 of 4 stars; one submission).

Submission:

GeneDx
Classification: Uncertain significance. Last evaluated: 2023-06-23. Review status: criteria provided, single submitter. Criteria: GeneDx Variant Classification Process June 2021. Collection method: clinical testing. Allele origin: germline. Affected: yes.
Comment: Not observed at significant frequency in large population cohorts (gnomAD); In silico analysis supports that this missense variant does not alter protein structure/function; Has not been previously published as pathogenic or benign to our knowledge